The following is an entry in ClinVar:

NM_001168235.2(FREM3):c.783C>T (p.Asn261=)

Gene: FREM3 (FRAS1 related extracellular matrix 3; minus strand). Cytogenetic location: 4q31.21.
Variant type: single nucleotide variant.
Coding change: c.783C>T on transcript NM_001168235.2 (MANE Select); coding-DNA position 783, C replaced by T.
Protein change: p.Asn261=; no amino-acid change (asparagine 261 retained).
Molecular consequence: synonymous variant.
Genome position (GRCh38, 1-based): chr4:143,699,893, G>A on the plus strand (C>T on the coding strand, the complement: FREM3 is on the minus strand). VCF-style: chr4-143699893-G-A. GRCh37 (hg19) VCF-style: chr4-144621046-G-A.
Identifiers: ClinVar variation 4085974 (VCV004085974.8).

ClinVar aggregate classification (germline): Likely benign (1 of 4 stars; one submission).

gnomAD v4.1: 2 of 1,536,724 alleles (0.00013%); highest among the groups gnomAD compares: African/African-American, 0.0027%; no homozygotes.

Submission:

CeGaT Center for Human Genetics Tuebingen
Classification: Likely benign. Last evaluated: 2025-09-01. Review status: criteria provided, single submitter. Criteria: CeGaT Center For Human Genetics Tuebingen Variant Classification Criteria Version 2. Collection method: clinical testing. Allele origin: germline. Affected: yes. Observed: 1 variant allele.
Comment: FREM3: BP4, BP7